The following is an entry in ClinVar:

ClinVar aggregate classification (germline): Pathogenic (1 of 4 stars; one submission).

Conditions:
Wilson disease (WND). Also called: Wilson's disease. Identifiers: Orphanet 905, MedGen C0019202, MONDO:0010200, OMIM 277900. Disease mechanism: loss of function.

Submission:

Labcorp Genetics (formerly Invitae), Labcorp
Classification: Pathogenic for Wilson disease. Last evaluated: 2024-06-26. Review status: criteria provided, single submitter. Criteria: Invitae Variant Classification Sherloc (09022015). Collection method: clinical testing. Allele origin: germline.
Comment: This sequence change creates a premature translational stop signal (p.Lys1315Asnfs*7) in the ATP7B gene. It is expected to result in an absent or disrupted protein product. Loss-of-function variants in ATP7B are known to be pathogenic (PMID: 10441329, 16283883). This variant is not present in population databases (gnomAD no frequency). This variant has not been reported in the literature in individuals affected with ATP7B-related conditions. For these reasons, this variant has been classified as Pathogenic.

Literature cited by the submitters: PubMed 10441329; PubMed 16283883.

NM_000053.4(ATP7B):c.3911_3944dup (p.Lys1315delinsAsnAlaGlyCysGlyGlyTer)

Gene: ATP7B (ATPase copper transporting beta; minus strand). Cytogenetic location: 13q14.3.
Variant type: Duplication.
Coding change: c.3911_3944dup on transcript NM_000053.4 (MANE Select); coding-DNA positions 3911 to 3944, 34 bases duplicated.
Protein change: p.Lys1315delinsAsnAlaGlyCysGlyGlyTer.
Molecular consequence: nonsense.
Genome position (GRCh38, 1-based): chr13:51,937,353-51,937,386, 34 bases duplicated. GRCh37 (hg19): chr13:52,511,489-52,511,522.
Other names: c.3905_3938dup, p.Lys1313delinsAsnAlaGlyCysGlyGlyTer (NM_001406513.1); c.3878_3911dup, p.Lys1304delinsAsnAlaGlyCysGlyGlyTer (NM_001406514.1); c.3857_3890dup, p.Lys1297delinsAsnAlaGlyCysGlyGlyTer (NM_001406515.1, NM_001406516.1); c.3815_3848dup, p.Lys1283delinsAsnAlaGlyCysGlyGlyTer (NM_001406517.1, NM_001406518.1); c.3776_3809dup, p.Lys1270delinsAsnAlaGlyCysGlyGlyTer (NM_001406519.1); c.3767_3800dup, p.Lys1267delinsAsnAlaGlyCysGlyGlyTer (NM_001406520.1, NM_001406521.1, NM_001406522.1); c.3728_3761dup, p.Lys1254delinsAsnAlaGlyCysGlyGlyTer (NM_001406523.1); c.3734_3767dup, p.Lys1256delinsAsnAlaGlyCysGlyGlyTer (NM_001406524.1); and 21 more.
Identifiers: ClinVar variation 3657970 (VCV003657970.2).
Genomic context (GRCh38, chr13:51,937,352, plus strand): 5'-CCCAACCAGGTTATAAATCAGTGCCAGGACCAGGTTGATGCGTATCCTTCGGACAGTCCT[C>CTTGGAAAGGTGAATGCTAGCCACCACATCCAGCA]TTGGAAAGGTGAATGCTAGCCACCACATCCAGCAAATCATTCTGATGGAGAGGAGCACAC-3'